The following is an entry in ClinVar:

ClinVar aggregate classification (germline): Conflicting classifications of pathogenicity. Review status: criteria provided, conflicting classifications (1 of 4 stars). 4 submissions from 4 submitters: Uncertain significance (3); Likely benign (1). Last evaluated 2025-12-01.

Conditions:
Hereditary breast ovarian cancer syndrome. Also called: Hereditary breast and ovarian cancer syndrome; Hereditary breast and/or ovarian cancer syndrome; Breast and ovarian cancer; BRCA1- and BRCA2-Associated Hereditary Breast and Ovarian Cancer; Hereditary breast and ovarian cancer; Hereditary breast and ovarian cancer syndrome (HBOC). Identifiers: Orphanet 145, MedGen C0677776, MeSH D061325, MONDO:0003582. Disease mechanism: loss of function.
Hereditary cancer-predisposing syndrome. Also called: Neoplastic Syndromes, Hereditary; Hereditary Cancer Syndrome; Hereditary neoplastic syndrome; Tumor predisposition. Identifiers: Orphanet 140162, MedGen C0027672, MeSH D009386, MONDO:0015356.
Breast-ovarian cancer, familial, susceptibility to, 2 (BROVCA2). Also called: BRCA2 Hereditary Breast and Ovarian Cancer. Identifiers: Orphanet 145, MedGen C2675520, MONDO:0012933, OMIM 612555. Disease mechanism: loss of function.

Submissions (4):

Ambry Genetics
Classification: Uncertain significance for Hereditary cancer-predisposing syndrome. Last evaluated: 2025-12-01. Review status: criteria provided, single submitter. Criteria: Ambry Variant Classification Scheme 2023. Collection method: clinical testing. Allele origin: germline.
Comment: The p.E1940G variant (also known as c.5819A>G), located in coding exon 10 of the BRCA2 gene, results from an A to G substitution at nucleotide position 5819. The glutamic acid at codon 1940 is replaced by glycine, an amino acid with similar properties. This amino acid position is not well conserved in available vertebrate species. In addition, this alteration is predicted to be tolerated by in silico analysis. Since supporting evidence is limited at this time, the clinical significance of this alteration remains unclear.

Labcorp Genetics (formerly Invitae), Labcorp
Classification: Uncertain significance for Hereditary breast ovarian cancer syndrome. Last evaluated: 2025-10-23. Review status: criteria provided, single submitter. Criteria: Invitae Variant Classification Sherloc (09022015). Collection method: clinical testing. Allele origin: germline.
Comment: This sequence change replaces glutamic acid, which is acidic and polar, with glycine, which is neutral and non-polar, at codon 1940 of the BRCA2 protein (p.Glu1940Gly). This variant is not present in population databases (gnomAD no frequency). This variant has not been reported in the literature in individuals affected with BRCA2-related conditions. ClinVar contains an entry for this variant (Variation ID: 646486). Invitae Evidence Modeling of protein sequence and biophysical properties (such as structural, functional, and spatial information, amino acid conservation, physicochemical variation, residue mobility, and thermodynamic stability) indicates that this missense variant is not expected to disrupt BRCA2 protein function with a negative predictive value of 95%. In summary, the available evidence is currently insufficient to determine the role of this variant in disease. Therefore, it has been classified as a Variant of Uncertain Significance.

All of Us Research Program, National Institutes of Health
Classification: Uncertain significance for Breast-ovarian cancer, familial, susceptibility to, 2. Last evaluated: 2023-04-03. Review status: criteria provided, single submitter. Criteria: ACMG Guidelines, 2015. Collection method: clinical testing. Allele origin: germline. Inheritance: Autosomal dominant inheritance. Observed: 1 variant allele, 1 heterozygote.
Comment: This missense variant replaces glutamic acid with glycine at codon 1940 of the BRCA2 protein. Computational prediction suggests that this variant may not impact protein structure and function (internally defined REVEL score threshold <= 0.5, PMID: 27666373). To our knowledge, functional studies have not been reported for this variant. This variant has not been reported in individuals affected with BRCA2-related disorders in the literature. This variant has not been identified in the general population by the Genome Aggregation Database (gnomAD). The available evidence is insufficient to determine the role of this variant in disease conclusively. Therefore, this variant is classified as a Variant of Uncertain Significance.

This study involves interpretation of variants in research participants for the purpose of population health screening. Participant phenotype was not available at the time of variant classification. Additional details can be found in publication PMID: 35346344, PMCID: PMC8962531

University of Washington Department of Laboratory Medicine, University of Washington
Classification: Likely benign for Hereditary cancer-predisposing syndrome. Last evaluated: 2023-03-23. Review status: criteria provided, single submitter. Criteria: Dines et al. (Genet Med. 2020). Collection method: curation. Allele origin: germline.
Comment: Missense variant in a coldspot region where missense variants are very unlikely to be pathogenic (PMID:31911673).

BRCA2 exon 11 coldspot. Reclassification based on statistical prior probability.

NM_000059.4(BRCA2):c.5819A>G (p.Glu1940Gly)

Gene: BRCA2 (BRCA2 DNA repair associated; plus strand). Cytogenetic location: 13q13.1.
Variant type: single nucleotide variant.
Coding change: c.5819A>G on transcript NM_000059.4 (MANE Select); coding-DNA position 5819, A replaced by G.
Protein change: p.Glu1940Gly; replaces glutamic acid 1940 with glycine.
Molecular consequence: missense variant.
Genome position (GRCh38, 1-based): chr13:32,340,174, A>G. VCF-style: chr13-32340174-A-G. GRCh37 (hg19) VCF-style: chr13-32914311-A-G.
Other names: short protein forms E1940G.
Identifiers: ClinVar variation 646486 (VCV000646486.16), dbSNP rs1593906648, ClinGen allele CA387787280.